The following is an entry in ClinVar:

ClinVar aggregate classification (germline): Conflicting classifications of pathogenicity. Review status: criteria provided, conflicting classifications (1 of 4 stars). 5 submissions from 5 submitters: Uncertain significance (3); Likely benign (2). Last evaluated 2023-08-24.

Conditions:
Early-infantile DEE. Also called: Ohtahara syndrome; Early infantile epileptic encephalopathy; Early infantile epileptic encephalopathy with suppression bursts. Identifiers: Orphanet 1934, MedGen C0393706, MONDO:0800491.

Allele frequency attached by ClinVar (database versions not stated): gnomAD exomes 0.00001; TOPMed 0.00001.
gnomAD v4.1: 8 of 1,613,868 alleles (0.0005%); highest among the groups gnomAD compares: Middle Eastern, 0.083%; 1 homozygote.

Submissions (5):

Revvity Omics, Revvity
Classification: Uncertain significance. Last evaluated: 2023-08-24. Review status: criteria provided, single submitter. Criteria: ACMG Guidelines, 2015. Collection method: clinical testing. Allele origin: germline.

Blueprint Genetics
Classification: Uncertain significance. Last evaluated: 2021-10-11. Review status: criteria provided, single submitter. Criteria: ACMG Guidelines, 2015. Collection method: clinical testing. Allele origin: germline.

Labcorp Genetics (formerly Invitae), Labcorp
Classification: Uncertain significance for Early-infantile DEE. Last evaluated: 2020-09-15. Review status: criteria provided, single submitter. Criteria: Invitae Variant Classification Sherloc (09022015). Collection method: clinical testing. Allele origin: germline.
Comment: This variant is not present in population databases (ExAC no frequency). This variant has not been reported in the literature in individuals with SCN1A-related conditions. ClinVar contains an entry for this variant (Variation ID: 206732). Algorithms developed to predict the effect of missense changes on protein structure and function are either unavailable or do not agree on the potential impact of this missense change (SIFT: "Tolerated"; PolyPhen-2: "Benign"; Align-GVGD: "Class C0"). In summary, the available evidence is currently insufficient to determine the role of this variant in disease. Therefore, it has been classified as a Variant of Uncertain Significance. This sequence change replaces isoleucine with methionine at codon 1955 of the SCN1A protein (p.Ile1955Met). The isoleucine residue is weakly conserved and there is a small physicochemical difference between isoleucine and methionine.

CeGaT Center for Human Genetics Tuebingen
Classification: Likely benign. Last evaluated: 2020-05-01. Review status: criteria provided, single submitter. Criteria: CeGaT Center For Human Genetics Tuebingen Variant Classification Criteria Version 2. Collection method: clinical testing. Allele origin: germline. Affected: yes. Observed: 1 variant allele.

GeneDx
Classification: Likely benign. Last evaluated: 2019-05-15. Review status: criteria provided, single submitter. Criteria: GeneDx Variant Classification Process June 2021. Collection method: clinical testing. Allele origin: germline. Affected: yes.

NM_001165963.4(SCN1A):c.5865A>G (p.Ile1955Met)

Genes: SCN1A (sodium voltage-gated channel alpha subunit 1; minus strand), LOC102724058 (uncharacterized LOC102724058; plus strand). Cytogenetic location: 2q24.3.
Variant type: single nucleotide variant.
Coding change: c.5865A>G on transcript NM_001165963.4 (MANE Select); coding-DNA position 5865, A replaced by G.
Protein change: p.Ile1955Met; replaces isoleucine 1955 with methionine.
Molecular consequence: missense variant. On other transcripts: non-coding transcript variant (1).
Genome position (GRCh38, 1-based): chr2:165,991,410, T>C on the plus strand (A>G on the coding strand, the complement: SCN1A is on the minus strand). VCF-style: chr2-165991410-T-C. GRCh37 (hg19) VCF-style: chr2-166847920-T-C.
Other names: p.I1955M:ATA>ATG; c.5865A>G (NM_001165963.3); c.5781A>G, p.Ile1927Met (NM_001165964.3, NM_001353957.2, NM_001353958.2); c.5865A>G, p.Ile1955Met (NM_001202435.3, NM_001353948.2); c.5832A>G, p.Ile1944Met (NM_001353949.2, NM_001353950.2, NM_001353951.2 and 2 more transcripts); c.5829A>G, p.Ile1943Met (NM_001353954.2, NM_001353955.2); c.5778A>G, p.Ile1926Met (NM_001353960.2); c.3423A>G, p.Ile1141Met (NM_001353961.2); short protein forms I1944M, I1955M, I1943M, I1927M, I1141M, I1926M.
Identifiers: ClinVar variation 206732 (VCV000206732.48), dbSNP rs796052952, ClinGen allele CA317108.